The following is an entry in ClinVar:

ClinVar aggregate classification (germline): Uncertain significance (1 of 4 stars; one submission).

Allele frequency attached by ClinVar (database versions not stated): gnomAD 0.00001; TOPMed 0.00001.
gnomAD v4.1: 32 of 1,613,848 alleles (0.002%); highest among the groups gnomAD compares: African/African-American, 0.0027%; no homozygotes.

Submission:

Ambry Genetics
Classification: Uncertain significance. Last evaluated: 2022-10-30. Review status: criteria provided, single submitter. Criteria: Ambry Variant Classification Scheme 2023. Collection method: clinical testing. Allele origin: germline.
Comment: The p.L292I variant (also known as c.874C>A), located in coding exon 6 of the POLQ gene, results from a C to A substitution at nucleotide position 874. The leucine at codon 292 is replaced by isoleucine, an amino acid with highly similar properties. This amino acid position is conserved. In addition, this alteration is predicted to be tolerated by in silico analysis. Since supporting evidence is limited at this time, the clinical significance of this alteration remains unclear.

NM_199420.4(POLQ):c.874C>A (p.Leu292Ile)

Gene: POLQ (DNA polymerase theta; minus strand). Cytogenetic location: 3q13.33.
Variant type: single nucleotide variant.
Coding change: c.874C>A on transcript NM_199420.4 (MANE Select); coding-DNA position 874, C replaced by A.
Protein change: p.Leu292Ile; replaces leucine 292 with isoleucine.
Molecular consequence: missense variant.
Genome position (GRCh38, 1-based): chr3:121,533,076, G>T on the plus strand (C>A on the coding strand, the complement: POLQ is on the minus strand). VCF-style: chr3-121533076-G-T. GRCh37 (hg19) VCF-style: chr3-121251923-G-T.
Other names: short protein forms L292I.
Identifiers: ClinVar variation 1764524 (VCV001764524.2), dbSNP rs1168993983, ClinGen allele CA354126196.